The following is an entry in ClinVar:

NM_017636.4(TRPM4):c.1100A>G (p.Glu367Gly)

Gene: TRPM4 (transient receptor potential cation channel subfamily M member 4; plus strand). Cytogenetic location: 19q13.33.
Variant type: single nucleotide variant.
Coding change: c.1100A>G on transcript NM_017636.4 (MANE Select); coding-DNA position 1100, A replaced by G.
Protein change: p.Glu367Gly; replaces glutamic acid 367 with glycine.
Molecular consequence: missense variant. On other transcripts: 5 prime UTR variant (1), intron variant (1).
Genome position (GRCh38, 1-based): chr19:49,172,058, A>G. VCF-style: chr19-49172058-A-G. GRCh37 (hg19) VCF-style: chr19-49675315-A-G.
Other names: c.1100A>G, p.Glu367Gly (NM_001195227.2); c.755A>G, p.Glu252Gly (NM_001321281.2); c.-454A>G (NM_001321282.2); c.578A>G, p.Glu193Gly (NM_001321283.2); c.201+289A>G (NM_001321285.2); short protein forms E367G, E193G, E252G.
Identifiers: ClinVar variation 3329227 (VCV003329227.1).

ClinVar aggregate classification (germline): Uncertain significance (1 of 4 stars; one submission).

Conditions:
Cardiovascular phenotype. Identifiers: MedGen CN230736.

gnomAD v4.1: 22 of 1,614,058 alleles (0.0014%); highest among the groups gnomAD compares: Non-Finnish European, 0.0017%; no homozygotes.

Submission:

Ambry Genetics
Classification: Uncertain significance for Cardiovascular phenotype. Last evaluated: 2024-05-17. Review status: criteria provided, single submitter. Criteria: Ambry Variant Classification Scheme 2023. Collection method: clinical testing. Allele origin: germline.
Comment: The p.E367G variant (also known as c.1100A>G), located in coding exon 9 of the TRPM4 gene, results from an A to G substitution at nucleotide position 1100. The glutamic acid at codon 367 is replaced by glycine, an amino acid with similar properties. This amino acid position is conserved. In addition, this alteration is predicted to be tolerated by in silico analysis. Based on the available evidence, the clinical significance of this variant remains unclear.